The following is an entry in ClinVar:

NM_005732.4(RAD50):c.17del (p.Lys6fs)

Gene: RAD50 (RAD50 double strand break repair protein; plus strand). Cytogenetic location: 5q31.1.
Variant type: Deletion.
Coding change: c.17del on transcript NM_005732.4 (MANE Select); coding-DNA position 17, one base deleted (A; older notation c.17delA).
Protein change: p.Lys6fs; shifts the reading frame from lysine 6.
Molecular consequence: frameshift variant.
Genome position (GRCh38, 1-based): chr5:132,557,341, A deleted; the last of 4 consecutive A bases (chr5:132,557,338-132,557,341); deleting any one gives the same sequence. VCF-style (leftmost placement, unchanged base first): chr5-132557337-GA-G. GRCh37 (hg19) VCF-style: chr5-131893029-GA-G.
Other names: short protein forms K6fs.
Identifiers: ClinVar variation 1423772 (VCV001423772.6), dbSNP rs2149830069, ClinGen allele CA2573139061.

ClinVar aggregate classification (germline): Pathogenic (1 of 4 stars; one submission).

Conditions:
Hereditary cancer-predisposing syndrome. Also called: Neoplastic Syndromes, Hereditary; Hereditary Cancer Syndrome; Hereditary neoplastic syndrome; Tumor predisposition. Identifiers: Orphanet 140162, MedGen C0027672, MeSH D009386, MONDO:0015356.

Submission:

Labcorp Genetics (formerly Invitae), Labcorp
Classification: Pathogenic for Hereditary cancer-predisposing syndrome. Last evaluated: 2022-03-22. Review status: criteria provided, single submitter. Criteria: Invitae Variant Classification Sherloc (09022015). Collection method: clinical testing. Allele origin: germline.
Comment: For these reasons, this variant has been classified as Pathogenic. This variant has not been reported in the literature in individuals affected with RAD50-related conditions. This variant is not present in population databases (gnomAD no frequency). This sequence change creates a premature translational stop signal (p.Lys6Argfs*2) in the RAD50 gene. It is expected to result in an absent or disrupted protein product. Loss-of-function variants in RAD50 are known to be pathogenic (PMID: 19409520).

Literature cited by the submitters: PubMed 19409520.